The following is an entry in ClinVar:

NM_000169.3(GLA):c.257A>G (p.Tyr86Cys)

Genes: GLA (galactosidase alpha; minus strand), RPL36A-HNRNPH2 (RPL36A-HNRNPH2 readthrough; plus strand). Cytogenetic location: Xq22.1.
Variant type: single nucleotide variant.
Coding change: c.257A>G on transcript NM_000169.3 (MANE Select); coding-DNA position 257, A replaced by G.
Protein change: p.Tyr86Cys; replaces tyrosine 86 with cysteine.
Molecular consequence: missense variant. On other transcripts: non-coding transcript variant (3), intron variant (2).
Genome position (GRCh38, 1-based): chrX:101,403,923, T>C on the plus strand (A>G on the coding strand, the complement: GLA is on the minus strand). VCF-style: chrX-101403923-T-C. GRCh37 (hg19) VCF-style: chrX-100658911-T-C.
Other names: NC_000023.10:g.100658911T>C; c.380A>G, p.Tyr127Cys (NM_001406747.1, NM_001406749.1); c.257A>G, p.Tyr86Cys (NM_001406748.1); c.301-8013T>C (NM_001199973.2); c.178-8013T>C (NM_001199974.2); short protein forms Y127C, Y86C.
Identifiers: ClinVar variation 4087315 (VCV004087315.3).
Genomic context (GRCh38, chrX:101,403,923, plus strand): 5'-AGTCTGCCTTCTGAATCTCTTTGGGGAGCCATCCAACAGTCATCAATGCAGAGGTACTCA[T>C]AACCTGCATCCTTCCAGCCTTCTGAGACCATGAGCTCTGCCATCTCCATGAAGAGCTTCT-3'
Protein context (NP_000160.1, residues 76-96): MVSEGWKDAG[Tyr86Cys]EYLCIDDCWM

ClinVar aggregate classification (germline): Pathogenic (1 of 4 stars; one submission).

Conditions:
Fabry disease. Also called: ALPHA-GALACTOSIDASE A DEFICIENCY; ANDERSON-FABRY DISEASE; CERAMIDE TRIHEXOSIDASE DEFICIENCY; GLA DEFICIENCY; HEREDITARY DYSTOPIC LIPIDOSIS; Angiokeratoma corporis diffusum. Identifiers: Orphanet 324, MedGen C0002986, MONDO:0010526, OMIM 301500, HP:0001071. Disease mechanism: Fabry disease is due to inactivating mutations in the X-linked GLA gene resulting in deficiency of the enzyme Alpha Galactosidase-A., loss of function.

Submissions (2):

Genomenon, Inc
Classification: Pathogenic for Fabry disease. Last evaluated: 2026-09-08. Review status: criteria provided, single submitter. Criteria: Genomenon Sequence Variant Interpretation Standards - Updated. Collection method: curation. Allele origin: germline. Affected: yes.
Comment: GLA p.Tyr86Cys (c.257A>G) is a missense variant that changes the amino acid at codon 86 from Tyrosine to Cysteine. This variant has been observed in at least one proband with clinical features consistent with Fabry disease (PMID:33915609;9100224;18445046;21114524). At least one functional study has demonstrated a substantial alteration in protein function relative to the wild-type (PMID:27657681). This variant is located in a mutational hotspot and/or important functional domain. It is absent or not present at a significant frequency in gnomAD. In silico models predict that this variant is possibly or probably damaging. In conclusion, we classify GLA p.Tyr86Cys (c.257A>G) as a pathogenic variant.

Dr. Peter K. Rogan Lab, Western University
No classification provided (evidence only). Condition: Nonpapillary renal cell carcinoma. Review status: no classification provided. Collection method: in vitro. Allele origin: not applicable. Functional consequence: retained intron. Not counted in ClinVar's aggregate classification.

Literature cited by the submitters: PubMed 33915609 (cited by Genomenon, Inc); PubMed 9100224 (cited by Genomenon, Inc); PubMed 18445046 (cited by Genomenon, Inc); PubMed 21114524 (cited by Genomenon, Inc); PubMed 27657681 (cited by Genomenon, Inc).